The following is an entry in ClinVar:

NM_000089.4(COL1A2):c.1820G>C (p.Gly607Ala)

Gene: COL1A2 (collagen type I alpha 2 chain; plus strand). Cytogenetic location: 7q21.3.
Variant type: single nucleotide variant.
Coding change: c.1820G>C on transcript NM_000089.4 (MANE Select); coding-DNA position 1820, G replaced by C.
Protein change: p.Gly607Ala; replaces glycine 607 with alanine.
Molecular consequence: missense variant.
Genome position (GRCh38, 1-based): chr7:94,416,460, G>C. VCF-style: chr7-94416460-G-C. GRCh37 (hg19) VCF-style: chr7-94045772-G-C.
Other names: short protein forms G607A.
Identifiers: ClinVar variation 966304 (VCV000966304.1), dbSNP rs1792043985, ClinGen allele CA368222666.

ClinVar aggregate classification (germline): Likely pathogenic (1 of 4 stars; one submission).

Conditions:
Ehlers-Danlos syndrome, classic type (cEDS). Identifiers: Orphanet 287, MedGen C4225429, MONDO:0007522.
Osteogenesis imperfecta type I (OI1). Also called: Lobstein's Disease; Classic Non-deforming Osteogenesis Imperfecta with Blue Sclerae; OI, TYPE I; OSTEOGENESIS IMPERFECTA TARDA; OSTEOGENESIS IMPERFECTA WITH BLUE SCLERAE; Lobstein disease. Identifiers: Orphanet 216796, Orphanet 666, MedGen C0023931, MONDO:0008146, OMIM 166200. Disease mechanism: loss of function.

Submission:

Labcorp Genetics (formerly Invitae), Labcorp
Classification: Likely pathogenic for Osteogenesis imperfecta type I; Ehlers-Danlos syndrome, type 1. Last evaluated: 2019-10-02. Review status: criteria provided, single submitter. Criteria: Invitae Variant Classification Sherloc (09022015). Collection method: clinical testing. Allele origin: germline.
Comment: This sequence change replaces glycine with alanine at codon 607 of the COL1A2 protein (p.Gly607Ala). The glycine residue is highly conserved and there is a small physicochemical difference between glycine and alanine. This variant is not present in population databases (ExAC no frequency). This variant has not been reported in the literature in individuals with COL1A2-related conditions. Glycine residues within the Gly-Xaa-Yaa repeats of the triple helix domain are required for the structure and stability of fibrillar collagens (PMID: 7695699, 8218237, 19344236). In COL1A2, variants affecting these glycine residues are significantly enriched in individuals with disease (PMID: 9016532, 17078022) compared to the general population (ExAC). In summary, the currently available evidence indicates that the variant is pathogenic, but additional data are needed to prove that conclusively. Therefore, this variant has been classified as Likely Pathogenic.

Literature cited by the submitters: PubMed 19344236; PubMed 17078022; PubMed 8218237; PubMed 7695699; PubMed 9016532.